The following is an entry in ClinVar:

NM_018238.4(AGK):c.590G>A (p.Gly197Asp)

Gene: AGK (acylglycerol kinase; plus strand). Cytogenetic location: 7q34.
Variant type: single nucleotide variant.
Coding change: c.590G>A on transcript NM_018238.4 (MANE Select); coding-DNA position 590, G replaced by A.
Protein change: p.Gly197Asp; replaces glycine 197 with aspartic acid.
Molecular consequence: missense variant.
Genome position (GRCh38, 1-based): chr7:141,633,902, G>A. VCF-style: chr7-141633902-G-A. GRCh37 (hg19) VCF-style: chr7-141333702-G-A.
Other names: c.590G>A, p.Gly197Asp (NM_001364948.3); short protein forms G197D.
Identifiers: ClinVar variation 1920191 (VCV001920191.3), dbSNP rs2485443652, ClinGen allele CA369537540.
Genomic context (GRCh38, chr7:141,633,902, plus strand): 5'-TGTAAAGAGTTCTGAGTGATTATAGTCATGAATTTAAATGAAATGTATTTAACTTCCAGG[G>A]TGAAAAGGAACAGCCTGTATTTGCAATGACCGGCCTTCGATGGGGATCTTTCAGAGATGC-3'
Protein context (NP_060708.1, residues 187-207): TVPLDVLQIK[Gly197Asp]EKEQPVFAMT

ClinVar aggregate classification (germline): Uncertain significance (1 of 4 stars; one submission).

Conditions:
Cataract 38. Also called: Cataract, autosomal recessive congenital 5; Cataract 38, autosomal recessive. Identifiers: Orphanet 91492, MedGen C3553494, MONDO:0013859, OMIM 614691.
Sengers syndrome. Also called: MITOCHONDRIAL DNA DEPLETION SYNDROME 10 (CARDIOMYOPATHIC TYPE); Cardiomyopathy and cataract. Identifiers: Orphanet 1369, MedGen C1859317, MONDO:0008922, OMIM 212350.

Submission:

Labcorp Genetics (formerly Invitae), Labcorp
Classification: Uncertain significance for Sengers syndrome; Cataract 38. Last evaluated: 2022-05-03. Review status: criteria provided, single submitter. Criteria: Invitae Variant Classification Sherloc (09022015). Collection method: clinical testing. Allele origin: germline.
Comment: In summary, the available evidence is currently insufficient to determine the role of this variant in disease. Therefore, it has been classified as a Variant of Uncertain Significance. Algorithms developed to predict the effect of missense changes on protein structure and function are either unavailable or do not agree on the potential impact of this missense change (SIFT: "Tolerated"; PolyPhen-2: "Probably Damaging"; Align-GVGD: "Class C0"). This variant has not been reported in the literature in individuals affected with AGK-related conditions. This variant is not present in population databases (gnomAD no frequency). This sequence change replaces glycine, which is neutral and non-polar, with aspartic acid, which is acidic and polar, at codon 197 of the AGK protein (p.Gly197Asp).